The following is an entry in ClinVar:

NM_194454.3(KRIT1):c.652_653insGCTCACGCCTGTAATCCCAGCACTTTGGGAGGCCGAGGCGGGCGGATCACGAGGTCAGGAGATCGAGACNNNNNNNNNNAAAAAAAAAAAAAAAAAAAAAAAGAGTA (p.Lys218delinsSerSerArgLeuTer)

Gene: KRIT1 (KRIT1 ankyrin repeat containing; minus strand). Cytogenetic location: 7q21.2.
Variant type: Insertion.
Coding change: c.652_653insGCTCACGCCTGTAATCCCAGCACTTTGGGAGGCCGAGGCGGGCGGATCACGAGGTCAGGAGATCGAGACNNNNNNNNNNAAAAAAAAAAAAAAAAAAAAAAAGAGTA on transcript NM_194454.3 (MANE Select); coding-DNA positions 652 to 653, GCTCACGCCTGTAATCCCAGCACTTTGGGAGGCCGAGGCGGGCGGATCACGAGGTCAGGAGATCGAGACNNNNNNNNNNAAAAAAAAAAAAAAAAAAAAAAAGAGTA inserted.
Protein change: p.Lys218delinsSerSerArgLeuTer.
Molecular consequence: nonsense. On other transcripts: intron variant (1).
Genome position: GRCh38: chr7:92,235,487-92,235,488. GRCh37 (hg19): chr7:91,864,801-91,864,802.
Other names: c.652_653insGCTCACGCCTGTAATCCCAGCACTTTGGGAGGCCGAGGCGGGCGGATCACGAGGTCAGGAGATCGAGACNNNNNNNNNNAAAAAAAAAAAAAAAAAAAAAAAGAGTA, p.Lys218delinsSerSerArgLeuTer (NM_001013406.2, NM_001350669.1, NM_001350670.1 and 29 more transcripts); c.15+54_15+55insAAAGAGTAGCTCACGCCTGTAATCCCAGCACTTTGGGAGGCCGAGGCGGGCGGATCACGAGGTCAGGAGATCGAGACNNNNNNNNNNAAAAAAAAAAAAAAAAAAAA (NM_001350671.1).
Identifiers: ClinVar variation 2010206 (VCV002010206.4), dbSNP rs2536025886.

ClinVar aggregate classification (germline): Pathogenic (1 of 4 stars; one submission).

Conditions:
Cerebral cavernous malformation (CCM). Also called: Cerebral cavernous hemangioma (type); Cerebral cavernous malformations; CAVERNOUS ANGIOMA, FAMILIAL; CAVERNOUS ANGIOMATOUS MALFORMATIONS; CEREBRAL CAPILLARY MALFORMATIONS; Cavernous Hemangioma of Brain. Identifiers: Orphanet 221061, MedGen C2919945, MONDO:0000820, OMIM 116860, HP:0033522.

Submission:

Labcorp Genetics (formerly Invitae), Labcorp
Classification: Pathogenic for Cerebral cavernous malformation. Last evaluated: 2022-06-24. Review status: criteria provided, single submitter. Criteria: Invitae Variant Classification Sherloc (09022015). Collection method: clinical testing. Allele origin: germline.
Comment: For these reasons, this variant has been classified as Pathogenic. Retrotransposon insertions including LINE1 (L1), Alu, and SVA (SINE-VNTR-Alu) have been reported to be disease-causing through disruption of either a coding region or splice site (PMID: 19763152, 20307669, 22406018) and loss-of-function variants in KRIT1 are known to be pathogenic (PMID: 10508515, 11222804, 12404106, 24689081). Algorithms developed to predict the effect of sequence changes on RNA splicing suggest that this variant may disrupt the consensus splice site. This variant has not been reported in the literature in individuals affected with KRIT1-related conditions. This variant is not present in population databases (gnomAD no frequency). This sequence change inserts a large fragment of DNA, likely a transposable element, in exon 9 of the KRIT1 gene (c.652_653ins?), causing a frameshift at codon 218 (p.Lys218fs). The exact size and sequence of the insertion cannot be determined by the current assay. However, the insertion is expected to result in an absent or disrupted protein product.

Literature cited by the submitters: PubMed 19763152; PubMed 20307669; PubMed 22406018; PubMed 10508515; PubMed 11222804; PubMed 12404106; PubMed 24689081.